The following is an entry in ClinVar:

NM_001365999.1(SZT2):c.9232T>G (p.Phe3078Val)

Gene: SZT2 (SZT2 subunit of KICSTOR complex; plus strand). Cytogenetic location: 1p34.2.
Variant type: single nucleotide variant.
Coding change: c.9232T>G on transcript NM_001365999.1 (MANE Select); coding-DNA position 9232, T replaced by G.
Protein change: p.Phe3078Val; replaces phenylalanine 3078 with valine.
Molecular consequence: missense variant.
Genome position (GRCh38, 1-based): chr1:43,447,114, T>G. VCF-style: chr1-43447114-T-G. GRCh37 (hg19) VCF-style: chr1-43912785-T-G.
Other names: c.9061T>G, p.Phe3021Val (NM_015284.4); c.673T>G, p.Phe225Val (NM_024547.1); short protein forms F225V, F3021V, F3078V.
Identifiers: ClinVar variation 2099658 (VCV002099658.4), dbSNP rs2545865773, ClinGen allele CA340042542.

ClinVar aggregate classification (germline): Uncertain significance (1 of 4 stars; one submission).

Submission:

Labcorp Genetics (formerly Invitae), Labcorp
Classification: Uncertain significance. Last evaluated: 2022-02-19. Review status: criteria provided, single submitter. Criteria: Invitae Variant Classification Sherloc (09022015). Collection method: clinical testing. Allele origin: germline.
Comment: This variant has not been reported in the literature in individuals affected with SZT2-related conditions. Algorithms developed to predict the effect of missense changes on protein structure and function are either unavailable or do not agree on the potential impact of this missense change (SIFT: "Tolerated"; PolyPhen-2: "Probably Damaging"; Align-GVGD: "Class C0"). In summary, the available evidence is currently insufficient to determine the role of this variant in disease. Therefore, it has been classified as a Variant of Uncertain Significance. This sequence change replaces phenylalanine, which is neutral and non-polar, with valine, which is neutral and non-polar, at codon 3021 of the SZT2 protein (p.Phe3021Val). This variant is not present in population databases (gnomAD no frequency).